The following is an entry in ClinVar:

ClinVar aggregate classification (germline): Uncertain significance (1 of 4 stars; one submission).

Conditions:
Autoimmune interstitial lung disease-arthritis syndrome. Also called: Autoinflammation and autoimmunity, systemic, with immune dysregulation. Identifiers: Orphanet 444092, MedGen C5975714, MONDO:0014629.

Submission:

Labcorp Genetics (formerly Invitae), Labcorp
Classification: Uncertain significance for Autoimmune interstitial lung disease-arthritis syndrome. Last evaluated: 2024-10-27. Review status: criteria provided, single submitter. Criteria: Invitae Variant Classification Sherloc (09022015). Collection method: clinical testing. Allele origin: germline.
Comment: This sequence change replaces tyrosine, which is neutral and polar, with histidine, which is basic and polar, at codon 579 of the COPA protein (p.Tyr579His). This variant is not present in population databases (gnomAD no frequency). This variant has not been reported in the literature in individuals affected with COPA-related conditions. Invitae Evidence Modeling of protein sequence and biophysical properties (such as structural, functional, and spatial information, amino acid conservation, physicochemical variation, residue mobility, and thermodynamic stability) indicates that this missense variant is not expected to disrupt COPA protein function with a negative predictive value of 80%. In summary, the available evidence is currently insufficient to determine the role of this variant in disease. Therefore, it has been classified as a Variant of Uncertain Significance.

NM_004371.4(COPA):c.1735T>C (p.Tyr579His)

Gene: COPA (coat protein complex I subunit alpha; minus strand). Cytogenetic location: 1q23.2.
Variant type: single nucleotide variant.
Coding change: c.1735T>C on transcript NM_004371.4 (MANE Select); coding-DNA position 1735, T replaced by C.
Protein change: p.Tyr579His; replaces tyrosine 579 with histidine.
Molecular consequence: missense variant.
Genome position (GRCh38, 1-based): chr1:160,299,197, A>G on the plus strand (T>C on the coding strand, the complement: COPA is on the minus strand). VCF-style: chr1-160299197-A-G. GRCh37 (hg19) VCF-style: chr1-160268987-A-G.
Other names: c.1762T>C, p.Tyr588His (NM_001098398.2); short protein forms Y579H, Y588H.
Identifiers: ClinVar variation 2836518 (VCV002836518.3), dbSNP rs1658514853, ClinGen allele CA343281027.
Genomic context (GRCh38, chr1:160,299,197, plus strand): 5'-ATTTGAACTCAGTGGGATCAATGGTGAGTACCCGGGGACGACACTCCCTGTCTAGGCAGT[A>G]TACATTGTTGCCCTTCACCCGTGTGACATAGATGGGTAAATCCAGAGTTCGAATGATCCC-3'
Protein context (NP_004362.2, residues 569-589): YVTRVKGNNV[Tyr579His]CLDRECRPRV